The following is an entry in ClinVar:

ClinVar aggregate classification (germline): Pathogenic (1 of 4 stars; one submission).

Conditions:
Congenital dyserythropoietic anemia, type II (CDAN2). Also called: DYSERYTHROPOIETIC ANEMIA, HEMPAS TYPE. Identifiers: Orphanet 98873, MedGen C1306589, MONDO:0009134, OMIM 224100.

Submission:

Victorian Clinical Genetics Services, Murdoch Childrens Research Institute
Classification: Pathogenic for Congenital dyserythropoietic anemia, type II. Last evaluated: 2024-10-08. Review status: criteria provided, single submitter. Criteria: ACMG Guidelines, 2015. Collection method: clinical testing. Allele origin: germline. Inheritance: Autosomal recessive inheritance. Affected: yes.
Comment: Based on the classification scheme VCGS_Germline_v1.3.4, this variant is classified as Pathogenic. Following criteria are met: 0102 - Loss of function is a known mechanism of disease in this gene and is associated with congenital dyserythropoietic anaemia type II (CDA; MIM#224100). (I) 0106 - This gene is associated with autosomal recessive disease. (I) 0211 - Canonical splice site variant without proven consequence on splicing (no functional evidence available). (SP) 0251 - This variant is heterozygous. (I) 0301 - Variant is absent from gnomAD (both v2 and v3). (SP) 0505 - Abnormal splicing is predicted by in silico tools and affected nucleotide is highly conserved. (SP) 0710 - Other splice site variants comparable to the one identified in this case have inconclusive previous evidence for pathogenicity. c.279+3A>G, c.279+4T>C and c.279+5G>A have been reported in individuals with CDA. However, there is little evidence towards their pathogenicity based on the variants they are in trans with and/or their misplicing prediction (PMID: 27471141, 25044164; SpliceAI). (I) 0807 - This variant has no previous evidence of pathogenicity. (I) 0905 - No published segregation evidence has been identified for this variant. (I) 1007 - No published functional evidence has been identified for this variant. (I) 1101 - Very strong and specific phenotype match for this individual. (SP) 1201 - Heterozygous variant detected in trans with a second pathogenic heterozygous variant (NM_006363.6(SEC23B):c.53G>A; p.(Arg18His)) in a recessive disease. (I) Legend: (SP) - Supporting pathogenic, (I) - Information, (SB) - Supporting benign

Literature cited by the submitters: PubMed 25044164; PubMed 27471141.

NM_006363.6(SEC23B):c.279+2T>C

Gene: SEC23B (SEC23 homolog B, COPII component; plus strand). Cytogenetic location: 20p11.23.
Variant type: single nucleotide variant.
Coding change: c.279+2T>C on transcript NM_006363.6 (MANE Select); the canonical splice donor site of the intron after coding-DNA position 279, T replaced by C.
Molecular consequence: splice donor variant.
Genome position (GRCh38, 1-based): chr20:18,512,284, T>C. VCF-style: chr20-18512284-T-C. GRCh37 (hg19) VCF-style: chr20-18492928-T-C.
Other names: c.279+2T>C (NM_032986.5, NM_001172745.3, NM_032985.6 and 1 more transcripts).
Identifiers: ClinVar variation 3377292 (VCV003377292.1).